The following is an entry in ClinVar:

NM_000179.3(MSH6):c.1001A>G (p.Lys334Arg)

Gene: MSH6 (mutS homolog 6; plus strand). Cytogenetic location: 2p16.3.
Variant type: single nucleotide variant.
Coding change: c.1001A>G on transcript NM_000179.3 (MANE Select); coding-DNA position 1001, A replaced by G.
Protein change: p.Lys334Arg; replaces lysine 334 with arginine.
Molecular consequence: missense variant.
Genome position (GRCh38, 1-based): chr2:47,798,984, A>G. VCF-style: chr2-47798984-A-G. GRCh37 (hg19) VCF-style: chr2-48026123-A-G.
Other names: c.611A>G, p.Lys204Arg (NM_001281492.2); c.95A>G, p.Lys32Arg (NM_001281493.2, NM_001281494.2); short protein forms K204R, K32R, K334R.
Identifiers: ClinVar variation 818247 (VCV000818247.16), dbSNP rs1558660066, ClinGen allele CA346741180.

ClinVar aggregate classification (germline): Uncertain significance. Review status: criteria provided, multiple submitters, no conflicts (2 of 4 stars). 3 submissions from 3 submitters: Uncertain significance (3). Last evaluated 2024-09-02.

Conditions:
Hereditary nonpolyposis colorectal neoplasms. Identifiers: MedGen C0009405, MeSH D003123.
Hereditary cancer-predisposing syndrome. Also called: Tumor predisposition; Hereditary neoplastic syndrome; Neoplastic Syndromes, Hereditary; Hereditary Cancer Syndrome. Identifiers: Orphanet 140162, MedGen C0027672, MeSH D009386, MONDO:0015356.

Submissions (3):

Labcorp Genetics (formerly Invitae), Labcorp
Classification: Uncertain significance for Hereditary nonpolyposis colorectal neoplasms. Last evaluated: 2024-09-02. Review status: criteria provided, single submitter. Criteria: Invitae Variant Classification Sherloc (09022015). Collection method: clinical testing. Allele origin: germline.
Comment: This sequence change replaces lysine, which is basic and polar, with arginine, which is basic and polar, at codon 334 of the MSH6 protein (p.Lys334Arg). This variant is not present in population databases (gnomAD no frequency). This variant has not been reported in the literature in individuals affected with MSH6-related conditions. ClinVar contains an entry for this variant (Variation ID: 818247). Invitae Evidence Modeling of protein sequence and biophysical properties (such as structural, functional, and spatial information, amino acid conservation, physicochemical variation, residue mobility, and thermodynamic stability) indicates that this missense variant is not expected to disrupt MSH6 protein function with a negative predictive value of 95%. In summary, the available evidence is currently insufficient to determine the role of this variant in disease. Therefore, it has been classified as a Variant of Uncertain Significance.

Ambry Genetics
Classification: Uncertain significance for Hereditary cancer-predisposing syndrome. Last evaluated: 2023-12-19. Review status: criteria provided, single submitter. Criteria: Ambry Variant Classification Scheme 2023. Collection method: clinical testing. Allele origin: germline.
Comment: The p.K334R variant (also known as c.1001A>G), located in coding exon 4 of the MSH6 gene, results from an A to G substitution at nucleotide position 1001. The lysine at codon 334 is replaced by arginine, an amino acid with highly similar properties. This amino acid position is highly conserved in available vertebrate species. In addition, this alteration is predicted to be tolerated by in silico analysis. Since supporting evidence is limited at this time, the clinical significance of this alteration remains unclear.

Color Diagnostics, LLC DBA Color Health
Classification: Uncertain significance for Hereditary cancer-predisposing syndrome. Last evaluated: 2023-12-05. Review status: criteria provided, single submitter. Criteria: ACMG Guidelines, 2015. Collection method: clinical testing. Allele origin: germline.
Comment: This missense variant replaces lysine with arginine at codon 334 of the MSH6 protein. Computational prediction suggests that this variant may not impact protein structure and function (internally defined REVEL score threshold <= 0.5, PMID: 27666373). To our knowledge, functional studies have not been reported for this variant. This variant has not been reported in individuals affected with MSH6-related disorders in the literature. This variant has not been identified in the general population by the Genome Aggregation Database (gnomAD). The available evidence is insufficient to determine the role of this variant in disease conclusively. Therefore, this variant is classified as a Variant of Uncertain Significance.